The following is an entry in ClinVar:

NM_025114.4(CEP290):c.2367+2T>C

Gene: CEP290 (centrosomal protein 290; minus strand). Cytogenetic location: 12q21.32.
Variant type: single nucleotide variant.
Coding change: c.2367+2T>C on transcript NM_025114.4 (MANE Select); the canonical splice donor site of the intron after coding-DNA position 2367, T replaced by C.
Molecular consequence: splice donor variant.
Genome position (GRCh38, 1-based): chr12:88,111,200, A>G on the plus strand (T>C on the coding strand, the complement: CEP290 is on the minus strand). VCF-style: chr12-88111200-A-G. GRCh37 (hg19) VCF-style: chr12-88504977-A-G.
Identifiers: ClinVar variation 1481957 (VCV001481957.8), dbSNP rs2137707354, ClinGen allele CA385974282.

ClinVar aggregate classification (germline): Likely pathogenic (1 of 4 stars; one submission).

Conditions:
Nephronophthisis. Also called: Juvenile Nephronophthisis. Identifiers: Orphanet 655, MedGen C0687120, MONDO:0019005, HP:0000090.
Meckel-Gruber syndrome. Also called: DYSENCEPHALIA SPLANCHNOCYSTICA; GRUBER SYNDROME; Dysencephalia splachnocystica. Identifiers: Orphanet 564, MedGen C0265215, MONDO:0018921.
Joubert syndrome. Also called: CEREBELLOPARENCHYMAL DISORDER IV; JOUBERT-BOLTSHAUSER SYNDROME; Familial aplasia of the vermis. Identifiers: Orphanet 475, MedGen C5979921, MONDO:0018772.

Allele frequency attached by ClinVar (database versions not stated): gnomAD exomes below 0.00001.
gnomAD v4.1: 3 of 1,357,252 alleles (0.00022%); highest among the groups gnomAD compares: Non-Finnish European, 0.00029%; no homozygotes.

Submission:

Labcorp Genetics (formerly Invitae), Labcorp
Classification: Likely pathogenic for Joubert syndrome; Meckel-Gruber syndrome; Nephronophthisis. Last evaluated: 2020-11-02. Review status: criteria provided, single submitter. Criteria: Invitae Variant Classification Sherloc (09022015). Collection method: clinical testing. Allele origin: germline.
Comment: This variant has not been reported in the literature in individuals with CEP290-related conditions. Algorithms developed to predict the effect of sequence changes on RNA splicing suggest that this variant may disrupt the consensus splice site, but this prediction has not been confirmed by published transcriptional studies. In summary, the currently available evidence indicates that the variant is pathogenic, but additional data are needed to prove that conclusively. Therefore, this variant has been classified as Likely Pathogenic. This variant is not present in population databases (ExAC no frequency). This sequence change affects a donor splice site in intron 22 of the CEP290 gene. It is expected to disrupt RNA splicing. Variants that disrupt the donor or acceptor splice site typically lead to a loss of protein function (PMID: 16199547), and loss-of-function variants in CEP290 are known to be pathogenic (PMID: 16909394, 17345604, 20690115, 25377065, 28559085).

Literature cited by the submitters: PubMed 16199547; PubMed 16909394; PubMed 17345604; PubMed 20690115; PubMed 25377065; PubMed 28559085.